The following is an entry in ClinVar:

NM_012233.3(RAB3GAP1):c.2408C>T (p.Ser803Leu)

Gene: RAB3GAP1 (RAB3 GTPase activating protein catalytic subunit 1; plus strand). Cytogenetic location: 2q21.3.
Variant type: single nucleotide variant.
Coding change: c.2408C>T on transcript NM_012233.3 (MANE Select); coding-DNA position 2408, C replaced by T.
Protein change: p.Ser803Leu; replaces serine 803 with leucine.
Molecular consequence: missense variant.
Genome position (GRCh38, 1-based): chr2:135,162,769, C>T. VCF-style: chr2-135162769-C-T. GRCh37 (hg19) VCF-style: chr2-135920339-C-T.
Other names: c.2408C>T, p.Ser803Leu (NM_001172435.2); short protein forms S803L.
Identifiers: ClinVar variation 1718663 (VCV001718663.5), dbSNP rs2468279582, ClinGen allele CA348585667.

ClinVar aggregate classification (germline): Uncertain significance (1 of 4 stars; one submission).

Submission:

Labcorp Genetics (formerly Invitae), Labcorp
Classification: Uncertain significance. Last evaluated: 2022-09-23. Review status: criteria provided, single submitter. Criteria: Invitae Variant Classification Sherloc (09022015). Collection method: clinical testing. Allele origin: germline.
Comment: Advanced modeling of protein sequence and biophysical properties (such as structural, functional, and spatial information, amino acid conservation, physicochemical variation, residue mobility, and thermodynamic stability) performed at Invitae indicates that this missense variant is not expected to disrupt RAB3GAP1 protein function. This missense change has been observed in individual(s) with clinical features of RAB3GAP1-related conditions (Invitae). In at least one individual the data is consistent with being in trans (on the opposite chromosome) from a pathogenic variant. This variant is not present in population databases (gnomAD no frequency). This sequence change replaces serine, which is neutral and polar, with leucine, which is neutral and non-polar, at codon 803 of the RAB3GAP1 protein (p.Ser803Leu). Algorithms developed to predict the effect of sequence changes on RNA splicing suggest that this variant may disrupt the consensus splice site. In summary, the available evidence is currently insufficient to determine the role of this variant in disease. Therefore, it has been classified as a Variant of Uncertain Significance.